The following is an entry in ClinVar:

ClinVar aggregate classification (germline): Uncertain significance (1 of 4 stars; one submission).

Submission:

Women's Health and Genetics/Laboratory Corporation of America, LabCorp
Classification: Uncertain significance. Last evaluated: 2024-12-02. Review status: criteria provided, single submitter. Criteria: LabCorp Variant Classification Summary - May 2015. Collection method: clinical testing. Allele origin: germline.
Comment: Variant summary: WAC c.821A>T (p.His274Leu) results in a non-conservative amino acid change in the encoded protein sequence. Three of five in-silico tools predict a damaging effect of the variant on protein function. The frequency data for this variant in gnomAD is considered unreliable, as metrics indicate poor data quality at this position. To our knowledge, no occurrence of c.821A>T in individuals affected with Desanto-Shinawi Syndrome and no experimental evidence demonstrating its impact on protein function have been reported. No submitters have cited clinical-significance assessments for this variant to ClinVar. Based on the evidence outlined above, the variant was classified as uncertain significance.

NM_016628.5(WAC):c.821A>T (p.His274Leu)

Gene: WAC (WW domain containing adaptor with coiled-coil; plus strand). Cytogenetic location: 10p12.1.
Variant type: single nucleotide variant.
Coding change: c.821A>T on transcript NM_016628.5 (MANE Select); coding-DNA position 821, A replaced by T.
Protein change: p.His274Leu; replaces histidine 274 with leucine.
Molecular consequence: missense variant. On other transcripts: intron variant (1).
Genome position (GRCh38, 1-based): chr10:28,595,943, A>T. VCF-style: chr10-28595943-A-T. GRCh37 (hg19) VCF-style: chr10-28884872-A-T.
Other names: c.686A>T, p.His229Leu (NM_100264.3); c.610+5111A>T (NM_100486.4); short protein forms H229L, H274L.
Identifiers: ClinVar variation 3768354 (VCV003768354.1).